The following is an entry in ClinVar:

NM_004388.3(CTBS):c.812T>C (p.Ile271Thr)

Genes: CTBS (chitobiase; minus strand), SPATA1 (spermatogenesis associated 1; plus strand). Cytogenetic location: 1p22.3.
Variant type: single nucleotide variant.
Coding change: c.812T>C on transcript NM_004388.3 (MANE Select); coding-DNA position 812, T replaced by C.
Protein change: p.Ile271Thr; replaces isoleucine 271 with threonine.
Molecular consequence: missense variant. On other transcripts: intron variant (1).
Genome position (GRCh38, 1-based): chr1:84,563,402, A>G on the plus strand (T>C on the coding strand, the complement: CTBS is on the minus strand). VCF-style: chr1-84563402-A-G. GRCh37 (hg19) VCF-style: chr1-85029085-A-G.
Other names: c.1295-2459A>G (NM_001397487.1); short protein forms I271T.
Identifiers: ClinVar variation 2638903 (VCV002638903.24), dbSNP rs143993403, ClinGen allele CA925843.
Genomic context (GRCh38, chr1:84,563,402, plus strand): 5'-TAGGGCACCTGACGTCCTGCAGCGTCACTACAAGGAGCCCCCCGGAAAGGGACTTTTGCA[A>G]TGGTACAAACATGATCCTAGAAATGCAAAAGTGCTCATGTTATATATTATCAATTATGCA-3'
Protein context (NP_004379.1, residues 261-281): LNLSEDHVCT[Ile271Thr]AKVPFRGAPC

ClinVar aggregate classification (germline): Likely benign (1 of 4 stars; one submission).

Allele frequency attached by ClinVar (database versions not stated): 1000 Genomes Project 0.00140; 1000 Genomes Project 30x 0.00141; TOPMed 0.00201; ESP Exome Variant Server 0.00254; gnomAD exomes 0.00339; ExAC 0.00419; gnomAD 0.00432.
gnomAD v4.1: 5,435 of 1,571,834 alleles (0.35%); highest among the groups gnomAD compares: Non-Finnish European, 0.3%; 24 homozygotes.

Submission:

CeGaT Center for Human Genetics Tuebingen
Classification: Likely benign. Last evaluated: 2022-11-01. Review status: criteria provided, single submitter. Criteria: CeGaT Center For Human Genetics Tuebingen Variant Classification Criteria Version 2. Collection method: clinical testing. Allele origin: germline. Affected: yes. Observed: 1 variant allele.
Comment: CTBS: BP4, BS2